The following is an entry in ClinVar:

NM_000336.3(SCNN1B):c.1404+7C>T

Gene: SCNN1B (sodium channel epithelial 1 subunit beta; plus strand). Cytogenetic location: 16p12.2.
Variant type: single nucleotide variant.
Coding change: c.1404+7C>T on transcript NM_000336.3 (MANE Select); 7 bases into the intron after coding-DNA position 1404, C replaced by T.
Molecular consequence: intron variant.
Genome position (GRCh38, 1-based): chr16:23,377,393, C>T. VCF-style: chr16-23377393-C-T. GRCh37 (hg19) VCF-style: chr16-23388714-C-T.
Identifiers: ClinVar variation 885580 (VCV000885580.10), dbSNP rs1485041245, ClinGen allele CA621327102.

ClinVar aggregate classification (germline): Conflicting classifications of pathogenicity. Review status: criteria provided, conflicting classifications (1 of 4 stars). 6 submissions from 4 submitters: Uncertain significance (3); Likely benign (2). 1 of the submissions does not count toward it. Last evaluated 2024-04-22.

Conditions:
SCNN1B-related disorder. Also called: SCNN1B-related condition.
Bronchiectasis with or without elevated sweat chloride 1 (BESC1). Also called: Cystic Fibrosis-Like Syndrome. Identifiers: Orphanet 60033, MedGen C2749757, MONDO:0008887, OMIM 211400.
Liddle syndrome 1 (LIDLS1). Also called: PSEUDOALDOSTERONISM. Identifiers: Orphanet 526, MedGen CN031472, MONDO:0020607, OMIM 177200.
Pseudohypoaldosteronism, type IB1, autosomal recessive. Also called: Pseudohypoaldosteronism, Type I, Autosomal Recessive; Pseudohypoaldosteronism, Type I, Recessive; PHA I, AUTOSOMAL RECESSIVE; Autosomal recessive pseudohypoaldosteronism type 1. Identifiers: Orphanet 171876, Orphanet 756, MedGen C5774176, MONDO:0009917, OMIM 264350.

Allele frequency attached by ClinVar (database versions not stated): gnomAD exomes 0.00002 and 0.00008; TOPMed 0.00002; gnomAD 0.00003.
gnomAD v4.1: 114 of 1,613,860 alleles (0.0071%); highest among the groups gnomAD compares: Non-Finnish European, 0.0094%; no homozygotes.

Submissions (6):

Blueprint Genetics
Classification: Likely benign. Last evaluated: 2024-04-22. Review status: criteria provided, single submitter. Criteria: ACMG Guidelines, 2015. Collection method: clinical testing. Allele origin: germline.

Labcorp Genetics (formerly Invitae), Labcorp
Classification: Likely benign. Last evaluated: 2023-11-13. Review status: criteria provided, single submitter. Criteria: Invitae Variant Classification Sherloc (09022015). Collection method: clinical testing. Allele origin: germline.

Illumina Laboratory Services, Illumina
Classification: Uncertain significance for Pseudohypoaldosteronism, type IB1, autosomal recessive. Last evaluated: 2018-01-12. Review status: criteria provided, single submitter. Criteria: ICSL Variant Classification Criteria 13 December 2019. Collection method: clinical testing. Allele origin: germline.

Illumina Laboratory Services, Illumina
Classification: Uncertain significance for Bronchiectasis with or without elevated sweat chloride 1. Last evaluated: 2018-01-12. Review status: criteria provided, single submitter. Criteria: ICSL Variant Classification Criteria 13 December 2019. Collection method: clinical testing. Allele origin: germline.

Illumina Laboratory Services, Illumina
Classification: Uncertain significance for Liddle syndrome 1. Last evaluated: 2018-01-12. Review status: criteria provided, single submitter. Criteria: ICSL Variant Classification Criteria 13 December 2019. Collection method: clinical testing. Allele origin: germline.

PreventionGenetics, part of Exact Sciences
Classification: Likely benign for SCNN1B-related condition. Last evaluated: 2019-04-09. Review status: no assertion criteria provided. Collection method: clinical testing. Allele origin: germline. Not counted in ClinVar's aggregate classification.
Comment: This variant is classified as likely benign based on ACMG/AMP sequence variant interpretation guidelines (Richards et al. 2015 PMID: 25741868, with internal and published modifications).